The following is an entry in ClinVar:

ClinVar aggregate classification (germline): Uncertain significance (1 of 4 stars; one submission).

Conditions:
Severe combined immunodeficiency due to DNA-PKcs deficiency. Also called: IMMUNODEFICIENCY 26 WITH NEUROLOGIC ABNORMALITIES; Immunodeficiency 26 with or without neurologic abnormalities. Identifiers: Orphanet 317425, MedGen C4014833, MONDO:0014423, OMIM 615966.

Allele frequency attached by ClinVar (database versions not stated): ExAC below 0.00001; gnomAD 0.00002; TOPMed 0.00002; gnomAD exomes 0.00003.
gnomAD v4.1: 50 of 1,552,402 alleles (0.0032%); highest among the groups gnomAD compares: East Asian, 0.0048%; no homozygotes.

Submission:

Labcorp Genetics (formerly Invitae), Labcorp
Classification: Uncertain significance for Severe combined immunodeficiency due to DNA-PKcs deficiency. Last evaluated: 2022-01-12. Review status: criteria provided, single submitter. Criteria: Invitae Variant Classification Sherloc (09022015). Collection method: clinical testing. Allele origin: germline.
Comment: This sequence change replaces arginine, which is basic and polar, with cysteine, which is neutral and slightly polar, at codon 1987 of the PRKDC protein (p.Arg1987Cys). The frequency data for this variant in the population databases is considered unreliable, as metrics indicate poor data quality at this position in the gnomAD database. This variant has not been reported in the literature in individuals affected with PRKDC-related conditions. ClinVar contains an entry for this variant (Variation ID: 840031). Algorithms developed to predict the effect of missense changes on protein structure and function output the following: SIFT: "Not Available"; PolyPhen-2: "Not Available"; Align-GVGD: "Not Available". The cysteine amino acid residue is found in multiple mammalian species, which suggests that this missense change does not adversely affect protein function. In summary, the available evidence is currently insufficient to determine the role of this variant in disease. Therefore, it has been classified as a Variant of Uncertain Significance.

NM_006904.7(PRKDC):c.5959C>T (p.Arg1987Cys)

Gene: PRKDC (protein kinase, DNA-activated, catalytic subunit; minus strand). Cytogenetic location: 8q11.21.
Variant type: single nucleotide variant.
Coding change: c.5959C>T on transcript NM_006904.7 (MANE Select); coding-DNA position 5959, C replaced by T.
Protein change: p.Arg1987Cys; replaces arginine 1987 with cysteine.
Molecular consequence: missense variant.
Genome position (GRCh38, 1-based): chr8:47,862,088, G>A on the plus strand (C>T on the coding strand, the complement: PRKDC is on the minus strand). VCF-style: chr8-47862088-G-A. GRCh37 (hg19) VCF-style: chr8-48774649-G-A.
Other names: c.5959C>T, p.Arg1987Cys (NM_001081640.2); short protein forms R1987C.
Identifiers: ClinVar variation 840031 (VCV000840031.7), dbSNP rs769796242, ClinGen allele CA4740529.